The following is an entry in ClinVar:

ClinVar aggregate classification (germline): Uncertain significance (1 of 4 stars; one submission).

Submission:

GeneDx
Classification: Uncertain significance. Last evaluated: 2023-05-14. Review status: criteria provided, single submitter. Criteria: GeneDx Variant Classification Process June 2021. Collection method: clinical testing. Allele origin: germline. Affected: yes.
Comment: Frameshift variant predicted to result in protein truncation as the last 117 amino acids are replaced with 5 different amino acids, although loss-of-function variants have not been reported downstream of this position in the protein; Not observed at significant frequency in large population cohorts (gnomAD); Has not been previously published as pathogenic or benign to our knowledge

NM_001271.4(CHD2):c.5132dup (p.His1712fs)

Gene: CHD2 (chromodomain helicase DNA binding protein 2; plus strand). Cytogenetic location: 15q26.1.
Variant type: Duplication.
Coding change: c.5132dup on transcript NM_001271.4 (MANE Select); coding-DNA position 5132, one base duplicated (G; older notation c.5132dupG).
Protein change: p.His1712fs; shifts the reading frame from histidine 1712.
Molecular consequence: frameshift variant.
Genome position (GRCh38, 1-based): chr15:93,020,237, G duplicated; the last of 4 consecutive G bases (chr15:93,020,234-93,020,237); duplicating any one gives the same sequence. VCF-style (leftmost placement, unchanged base first): chr15-93020233-C-CG. GRCh37 (hg19) VCF-style: chr15-93563463-C-CG.
Other names: short protein forms H1712fs.
Identifiers: ClinVar variation 3343336 (VCV003343336.1).